The following is an entry in ClinVar:

NM_016562.4(TLR7):c.145G>A (p.Val49Met)

Gene: TLR7 (toll like receptor 7; plus strand). Cytogenetic location: Xp22.2.
Variant type: single nucleotide variant.
Coding change: c.145G>A on transcript NM_016562.4 (MANE Select); coding-DNA position 145, G replaced by A.
Protein change: p.Val49Met; replaces valine 49 with methionine.
Molecular consequence: missense variant.
Genome position (GRCh38, 1-based): chrX:12,885,653, G>A. VCF-style: chrX-12885653-G-A. GRCh37 (hg19) VCF-style: chrX-12903772-G-A.
Other names: short protein forms V49M.
Identifiers: ClinVar variation 4527860 (VCV004527860.1).

ClinVar aggregate classification (germline): Uncertain significance (1 of 4 stars; one submission).

gnomAD v4.1: 4 of 1,210,004 alleles (0.00033%); highest among the groups gnomAD compares: African/African-American, 0.0017%; no homozygotes.

Submission:

GeneDx
Classification: Uncertain significance. Last evaluated: 2025-04-28. Review status: criteria provided, single submitter. Criteria: GeneDx Variant Classification Process June 2021. Collection method: clinical testing. Allele origin: germline. Affected: yes.
Comment: Has not been previously published as pathogenic or benign to our knowledge; In silico analysis indicates that this missense variant does not alter protein structure/function